The following is an entry in ClinVar:

NM_001164508.2(NEB):c.6565G>A (p.Val2189Met)

Gene: NEB (nebulin; minus strand). Cytogenetic location: 2q23.3.
Variant type: single nucleotide variant.
Coding change: c.6565G>A on transcript NM_001164508.2 (MANE Select); coding-DNA position 6565, G replaced by A.
Protein change: p.Val2189Met; replaces valine 2189 with methionine.
Molecular consequence: missense variant.
Genome position (GRCh38, 1-based): chr2:151,655,954, C>T on the plus strand (G>A on the coding strand, the complement: NEB is on the minus strand). VCF-style: chr2-151655954-C-T. GRCh37 (hg19) VCF-style: chr2-152512468-C-T.
Other names: c.6565G>A, p.Val2189Met (NM_001164507.2, NM_001271208.2, NM_004543.5); c.6565G>A (NM_004543.4); short protein forms V2189M.
Identifiers: ClinVar variation 515051 (VCV000515051.6), dbSNP rs1188389782, ClinGen allele CA348797495.
Genomic context (GRCh38, chr2:151,655,954, plus strand): 5'-TCGGGTGCTGGCGGTATTTCTGATCACTGGCATATTCAGTTGCTTTCTTGGCCTTCTCCA[C>T]TTCCAGAGAACCTGCTGGACTCCAGCCAAGCCCTTTGTACCATTCATTGTAATCTTGCTT-3'
Protein context (NP_001157980.2, residues 2179-2199): LGWSPAGSLE[Val2189Met]EKAKKATEYA

ClinVar aggregate classification (germline): Uncertain significance. Review status: criteria provided, multiple submitters, no conflicts (2 of 4 stars). 2 submissions from 2 submitters: Uncertain significance (2). Last evaluated 2022-06-24.

Conditions:
Inborn genetic diseases. Identifiers: MedGen C0950123, MeSH D030342.

Allele frequency attached by ClinVar (database versions not stated): gnomAD 0.00001; gnomAD exomes 0.00001 and 0.00002; TOPMed 0.00001.
gnomAD v4.1: 29 of 1,613,662 alleles (0.0018%); highest among the groups gnomAD compares: Non-Finnish European, 0.0025%; no homozygotes.

Submissions (2):

Ambry Genetics
Classification: Uncertain significance for Inborn genetic diseases. Last evaluated: 2022-06-24. Review status: criteria provided, single submitter. Criteria: Ambry Variant Classification Scheme 2023. Collection method: clinical testing. Allele origin: germline.

GeneDx
Classification: Uncertain significance. Last evaluated: 2020-03-18. Review status: criteria provided, single submitter. Criteria: GeneDx Variant Classification Process June 2021. Collection method: clinical testing. Allele origin: germline. Affected: yes.
Comment: Not observed at a significant frequency in large population cohorts (Lek et al., 2016); In silico analysis supports that this missense variant does not alter protein structure/function; Has not been previously published as pathogenic or benign to our knowledge